The following is an entry in ClinVar:

NM_000038.6(APC):c.1549-43A>G

Gene: APC (APC regulator of Wnt signaling pathway; plus strand). Cytogenetic location: 5q22.2.
Variant type: single nucleotide variant.
Coding change: c.1549-43A>G on transcript NM_000038.6 (MANE Select); 43 bases into the intron before coding-DNA position 1549, A replaced by G.
Molecular consequence: intron variant.
Genome position (GRCh38, 1-based): chr5:112,827,886, A>G. VCF-style: chr5-112827886-A-G. GRCh37 (hg19) VCF-style: chr5-112163583-A-G.
Other names: c.1246-43A>G (NM_001354903.2, NM_001407460.1, NM_001407458.1 and 1 more transcripts); c.1465-43A>G (NM_001354899.2); c.1162-43A>G (NM_001407467.1, NM_001407469.1); c.1426-43A>G (NM_001354900.2); c.1372-43A>G (NM_001354901.2, NM_001407453.1); c.1069-43A>G (NM_001354905.2); c.700-43A>G (NM_001407470.1, NM_001354906.2); c.397-43A>G (NM_001407472.1, NM_001407471.1); and 11 more.
Identifiers: ClinVar variation 4539455 (VCV004539455.1).

ClinVar aggregate classification (germline): Likely benign (1 of 4 stars; one submission).

gnomAD v4.1: 7 of 1,542,738 alleles (0.00045%); highest among the groups gnomAD compares: Admixed American, 0.01%; no homozygotes.

Submission:

Center for Genomic Medicine, Rigshospitalet, Copenhagen University Hospital
Classification: Likely benign. Last evaluated: 2025-12-29. Review status: criteria provided, single submitter. Criteria: ACMG Guidelines, 2015. Collection method: clinical testing. Allele origin: germline.
Comment: Classification criteria: BP4, BP7